The following is an entry in ClinVar:

NM_001365951.3(KIF1B):c.3565A>G (p.Ile1189Val)

Gene: KIF1B (kinesin family member 1B; plus strand). Cytogenetic location: 1p36.22.
Variant type: single nucleotide variant.
Coding change: c.3565A>G on transcript NM_001365951.3 (MANE Select); coding-DNA position 3565, A replaced by G.
Protein change: p.Ile1189Val; replaces isoleucine 1189 with valine.
Molecular consequence: missense variant.
Genome position (GRCh38, 1-based): chr1:10,342,101, A>G. VCF-style: chr1-10342101-A-G. GRCh37 (hg19) VCF-style: chr1-10402159-A-G.
Other names: c.3565A>G, p.Ile1189Val (NM_001365952.1); c.3427A>G, p.Ile1143Val (NM_015074.3); short protein forms I1189V, I1143V.
Identifiers: ClinVar variation 1449036 (VCV001449036.13), dbSNP rs190481457, ClinGen allele CA581812.

ClinVar aggregate classification (germline): Conflicting classifications of pathogenicity. Review status: criteria provided, conflicting classifications (1 of 4 stars). 3 submissions from 3 submitters: Uncertain significance (1); Likely benign (2). Last evaluated 2026-05-01.

Conditions:
Charcot-Marie-Tooth disease type 2. Also called: Charcot-Marie-Tooth type 2. Identifiers: Orphanet 64746, MedGen C0270914, MONDO:0018993.

Allele frequency attached by ClinVar (database versions not stated): 1000 Genomes Project 0.00020; 1000 Genomes Project 30x 0.00031; TOPMed below 0.00001; gnomAD 0.00001 and 0.00002; gnomAD exomes 0.00005; ExAC 0.00006.
gnomAD v4.1: 17 of 1,613,884 alleles (0.0011%); highest among the groups gnomAD compares: Admixed American, 0.025%; no homozygotes.

Submissions (3):

CeGaT Center for Human Genetics Tuebingen
Classification: Likely benign. Last evaluated: 2026-05-01. Review status: criteria provided, single submitter. Criteria: CeGaT Center For Human Genetics Tuebingen Variant Classification Criteria Version 2. Collection method: clinical testing. Allele origin: germline. Affected: yes. Observed: 1 variant allele.
Comment: KIF1B: BP4

Labcorp Genetics (formerly Invitae), Labcorp
Classification: Uncertain significance for Charcot-Marie-Tooth disease type 2. Last evaluated: 2024-03-02. Review status: criteria provided, single submitter. Criteria: Invitae Variant Classification Sherloc (09022015). Collection method: clinical testing. Allele origin: germline.
Comment: This sequence change replaces isoleucine, which is neutral and non-polar, with valine, which is neutral and non-polar, at codon 1143 of the KIF1B protein (p.Ile1143Val). This variant is present in population databases (rs190481457, gnomAD 0.04%), and has an allele count higher than expected for a pathogenic variant. This variant has not been reported in the literature in individuals affected with KIF1B-related conditions. ClinVar contains an entry for this variant (Variation ID: 1449036). An algorithm developed to predict the effect of missense changes on protein structure and function (PolyPhen-2) suggests that this variant is likely to be tolerated. In summary, the available evidence is currently insufficient to determine the role of this variant in disease. Therefore, it has been classified as a Variant of Uncertain Significance.

Ambry Genetics
Classification: Likely benign. Last evaluated: 2021-02-23. Review status: criteria provided, single submitter. Criteria: Ambry Variant Classification Scheme 2023. Collection method: clinical testing. Allele origin: germline.